The following is an entry in ClinVar:

NM_004385.5(VCAN):c.2591A>G (p.Gln864Arg)

Gene: VCAN (versican; plus strand). Cytogenetic location: 5q14.3.
Variant type: single nucleotide variant.
Coding change: c.2591A>G on transcript NM_004385.5 (MANE Select); coding-DNA position 2591, A replaced by G.
Protein change: p.Gln864Arg; replaces glutamine 864 with arginine.
Molecular consequence: missense variant. On other transcripts: intron variant (2).
Genome position (GRCh38, 1-based): chr5:83,520,897, A>G. VCF-style: chr5-83520897-A-G. GRCh37 (hg19) VCF-style: chr5-82816716-A-G.
Other names: c.2591A>G, p.Gln864Arg (NM_001164098.2); c.1042+8501A>G (NM_001164097.2, NM_001126336.3); short protein forms Q864R.
Identifiers: ClinVar variation 4711489 (VCV004711489.1).

ClinVar aggregate classification (germline): Uncertain significance (1 of 4 stars; one submission).

Submission:

Labcorp Genetics (formerly Invitae), Labcorp
Classification: Uncertain significance. Last evaluated: 2025-10-29. Review status: criteria provided, single submitter. Criteria: Invitae Variant Classification Sherloc (09022015). Collection method: clinical testing. Allele origin: germline.
Comment: This sequence change replaces glutamine, which is neutral and polar, with arginine, which is basic and polar, at codon 864 of the VCAN protein (p.Gln864Arg). This variant is not present in population databases (gnomAD no frequency). This variant has not been reported in the literature in individuals affected with VCAN-related conditions. An algorithm developed to predict the effect of missense changes on protein structure and function (PolyPhen-2) suggests that this variant is likely to be tolerated. In summary, the available evidence is currently insufficient to determine the role of this variant in disease. Therefore, it has been classified as a Variant of Uncertain Significance.